The following is an entry in ClinVar:

NM_000051.4(ATM):c.7454del (p.Phe2485fs)

Genes: ATM (ATM serine/threonine kinase; plus strand), C11orf65 (chromosome 11 open reading frame 65; minus strand). Cytogenetic location: 11q22.3.
Variant type: Deletion.
Coding change: c.7454del on transcript NM_000051.4 (MANE Select); coding-DNA position 7454, one base deleted (T; older notation c.7454delT).
Protein change: p.Phe2485fs; shifts the reading frame from phenylalanine 2485.
Molecular consequence: frameshift variant. On other transcripts: intron variant (2).
Genome position (GRCh38, 1-based): chr11:108,330,360, T deleted; the last of 2 consecutive T bases (chr11:108,330,359-108,330,360); deleting either gives the same sequence. VCF-style (leftmost placement, unchanged base first): chr11-108330358-AT-A. GRCh37 (hg19) VCF-style: chr11-108201085-AT-A.
Other names: c.7454del, p.Phe2485fs (NM_001351834.2); c.641-21288del (NM_001330368.2); c.*38+4861del (NM_001351110.2); short protein forms F2485fs.
Identifiers: ClinVar variation 4719636 (VCV004719636.1).

ClinVar aggregate classification (germline): Pathogenic (1 of 4 stars; one submission).

Conditions:
Ataxia-telangiectasia syndrome (AT). Also called: Ataxia-telangiectasia, complementation group D; AT, COMPLEMENTATION GROUP C; ATAXIA-TELANGIECTASIA, COMPLEMENTATION GROUP A; ATAXIA-TELANGIECTASIA, FRESNO VARIANT; Ataxia-telangiectasia; Ataxia-telangiectasia, complementation group E. Identifiers: Orphanet 100, MedGen C0004135, MONDO:0008840, OMIM 208900.

Submission:

Labcorp Genetics (formerly Invitae), Labcorp
Classification: Pathogenic for Ataxia-telangiectasia syndrome. Last evaluated: 2025-05-15. Review status: criteria provided, single submitter. Criteria: Invitae Variant Classification Sherloc (09022015). Collection method: clinical testing. Allele origin: germline.
Comment: This sequence change creates a premature translational stop signal (p.Phe2485Serfs*19) in the ATM gene. It is expected to result in an absent or disrupted protein product. Loss-of-function variants in ATM are known to be pathogenic (PMID: 23807571, 25614872). This variant is not present in population databases (gnomAD no frequency). This variant has not been reported in the literature in individuals affected with ATM-related conditions. For these reasons, this variant has been classified as Pathogenic.

Literature cited by the submitters: PubMed 23807571; PubMed 25614872.